The following is an entry in ClinVar:

NM_001394062.1(MACF1):c.17839A>G (p.Ile5947Val)

Gene: MACF1 (microtubule actin crosslinking factor 1; plus strand). Cytogenetic location: 1p34.3.
Variant type: single nucleotide variant.
Coding change: c.17839A>G on transcript NM_001394062.1 (MANE Select); coding-DNA position 17839, A replaced by G.
Protein change: p.Ile5947Val; replaces isoleucine 5947 with valine.
Molecular consequence: missense variant.
Genome position (GRCh38, 1-based): chr1:39,435,612, A>G. VCF-style: chr1-39435612-A-G. GRCh37 (hg19) VCF-style: chr1-39901284-A-G.
Other names: c.5908A>G, p.Ile1970Val (NM_001397473.1); c.11653A>G, p.Ile3885Val (NM_012090.5); short protein forms I1970V, I3885V, I5947V.
Identifiers: ClinVar variation 3234874 (VCV003234874.1), dbSNP rs2523110333, ClinGen allele CA339805705.

ClinVar aggregate classification (germline): Uncertain significance (1 of 4 stars; one submission).

Conditions:
Lissencephaly 9 with complex brainstem malformation. Identifiers: Orphanet 572013, MedGen C5193029, MONDO:0032677, OMIM 618325.

Submission:

Neuberg Centre For Genomic Medicine, NCGM
Classification: Uncertain significance for Lissencephaly 9 with complex brainstem malformation. Review status: criteria provided, single submitter. Criteria: ACMG Guidelines, 2015. Collection method: clinical testing. Allele origin: germline. Inheritance: Autosomal dominant inheritance. Affected: yes.
Comment: The missense c.11653A>Gp.Ile3885Val variant in MACF1 gene has not been reported previously as a pathogenic variant nor as a benign variant, to our knowledge. The p.Ile3885Val variant is novel not in any individuals in gnomAD Exomes and 1000 Genomes. This variant has not been reported to the ClinVar database. The amino acid change p.Ile3885Val in MACF1 is predicted as conserved by GERP++ and PhyloP across 100 vertebrates. The amino acid Ile at position 3885 is changed to a Val changing protein sequence and it might alter its composition and physico-chemical properties. For these reasons, this variant has been classified as Variant of Uncertain Significance VUS.